The following is an entry in ClinVar:

ClinVar aggregate classification (germline): Uncertain significance. Review status: criteria provided, multiple submitters, no conflicts (2 of 4 stars). 2 submissions from 2 submitters: Uncertain significance (2). Last evaluated 2025-04-27.

Conditions:
Hereditary cancer-predisposing syndrome. Also called: Neoplastic Syndromes, Hereditary; Tumor predisposition; Hereditary Cancer Syndrome; Hereditary neoplastic syndrome. Identifiers: Orphanet 140162, MedGen C0027672, MeSH D009386, MONDO:0015356.

Allele frequency attached by ClinVar (database versions not stated): TOPMed below 0.00001.

Submissions (2):

Labcorp Genetics (formerly Invitae), Labcorp
Classification: Uncertain significance. Last evaluated: 2025-04-27. Review status: criteria provided, single submitter. Criteria: Invitae Variant Classification Sherloc (09022015). Collection method: clinical testing. Allele origin: germline.
Comment: This sequence change replaces glycine, which is neutral and non-polar, with serine, which is neutral and polar, at codon 1801 of the POLE protein (p.Gly1801Ser). This variant is not present in population databases (gnomAD no frequency). This variant has not been reported in the literature in individuals affected with POLE-related conditions. ClinVar contains an entry for this variant (Variation ID: 1001018). Invitae Evidence Modeling of protein sequence and biophysical properties (such as structural, functional, and spatial information, amino acid conservation, physicochemical variation, residue mobility, and thermodynamic stability) indicates that this missense variant is not expected to disrupt POLE protein function with a negative predictive value of 80%. In summary, the available evidence is currently insufficient to determine the role of this variant in disease. Therefore, it has been classified as a Variant of Uncertain Significance.

Ambry Genetics
Classification: Uncertain significance for Hereditary cancer-predisposing syndrome. Last evaluated: 2022-07-11. Review status: criteria provided, single submitter. Criteria: Ambry Variant Classification Scheme 2023. Collection method: clinical testing. Allele origin: germline.
Comment: The p.G1801S variant (also known as c.5401G>A), located in coding exon 40 of the POLE gene, results from a G to A substitution at nucleotide position 5401. The glycine at codon 1801 is replaced by serine, an amino acid with similar properties. This amino acid position is conserved. In addition, this alteration is predicted to be tolerated by in silico analysis. Since supporting evidence is limited at this time, the clinical significance of this alteration remains unclear.

NM_006231.4(POLE):c.5401G>A (p.Gly1801Ser)

Gene: POLE (DNA polymerase epsilon, catalytic subunit; minus strand). Cytogenetic location: 12q24.33.
Variant type: single nucleotide variant.
Coding change: c.5401G>A on transcript NM_006231.4 (MANE Select); coding-DNA position 5401, G replaced by A.
Protein change: p.Gly1801Ser; replaces glycine 1801 with serine.
Molecular consequence: missense variant.
Genome position (GRCh38, 1-based): chr12:132,639,276, C>T on the plus strand (G>A on the coding strand, the complement: POLE is on the minus strand). VCF-style: chr12-132639276-C-T. GRCh37 (hg19) VCF-style: chr12-133215862-C-T.
Other names: short protein forms G1801S.
Identifiers: ClinVar variation 1001018 (VCV001001018.11), dbSNP rs1447287662, ClinGen allele CA387375063.